The following is an entry in ClinVar:

ClinVar aggregate classification (germline): Uncertain significance (1 of 4 stars; one submission).

Allele frequency attached by ClinVar (database versions not stated): gnomAD 0.00001.
gnomAD v4.1: 22 of 1,613,990 alleles (0.0014%); highest among the groups gnomAD compares: Middle Eastern, 0.016%; no homozygotes.

Submission:

Labcorp Genetics (formerly Invitae), Labcorp
Classification: Uncertain significance. Last evaluated: 2022-01-26. Review status: criteria provided, single submitter. Criteria: Invitae Variant Classification Sherloc (09022015). Collection method: clinical testing. Allele origin: germline.
Comment: This sequence change replaces arginine, which is basic and polar, with histidine, which is basic and polar, at codon 383 of the GRIP1 protein (p.Arg383His). This variant is present in population databases (rs201531171, gnomAD 0.007%). This variant has not been reported in the literature in individuals affected with GRIP1-related conditions. Algorithms developed to predict the effect of missense changes on protein structure and function are either unavailable or do not agree on the potential impact of this missense change (SIFT: "Tolerated"; PolyPhen-2: "Probably Damaging"; Align-GVGD: "Class C0"). In summary, the available evidence is currently insufficient to determine the role of this variant in disease. Therefore, it has been classified as a Variant of Uncertain Significance.

NM_001366722.1(GRIP1):c.1304G>A (p.Arg435His)

Gene: GRIP1 (glutamate receptor interacting protein 1; minus strand). Cytogenetic location: 12q14.3.
Variant type: single nucleotide variant.
Coding change: c.1304G>A on transcript NM_001366722.1 (MANE Select); coding-DNA position 1304, G replaced by A.
Protein change: p.Arg435His; replaces arginine 435 with histidine.
Molecular consequence: missense variant.
Genome position (GRCh38, 1-based): chr12:66,455,459, C>T on the plus strand (G>A on the coding strand, the complement: GRIP1 is on the minus strand). VCF-style: chr12-66455459-C-T. GRCh37 (hg19) VCF-style: chr12-66849239-C-T.
Other names: c.1148G>A, p.Arg383His (NM_001178074.2, NM_001379351.1, NM_021150.4); c.1223G>A, p.Arg408His (NM_001366723.1, NM_001379348.1); c.1226G>A, p.Arg409His (NM_001366724.1, NM_001379347.1); c.1382G>A, p.Arg461His (NM_001379345.1); c.1304G>A, p.Arg435His (NM_001379346.1); c.1151G>A, p.Arg384His (NM_001379349.1); short protein forms R383H, R384H, R408H, R409H, R435H, R461H.
Identifiers: ClinVar variation 2414786 (VCV002414786.2), dbSNP rs201531171, ClinGen allele CA238353633.
Genomic context (GRCh38, chr12:66,455,459, plus strand): 5'-TTTCACTTACATGAGCTTTTGAAGTCTTTCTTTTTCAGTCTCCTCCTCATCATGGTTCCA[C>T]GTGGGCTGGTGGAGTAGAGGCTTCGAGGTAGAGTCCCCATGTTCAGGGAACTCAGGCTGT-3'
Protein context (NP_001353651.1, residues 425-445): LPRSLYSTSP[Arg435His]GTMMRRRLKK